The following is an entry in ClinVar:

ClinVar aggregate classification (germline): Uncertain significance (1 of 4 stars; one submission).

Conditions:
Menkes kinky-hair syndrome (MNK). Also called: Copper transport disease; Menkes Disease; Classic Menkes Disease. Identifiers: Orphanet 565, MedGen C0022716, MONDO:0010651, OMIM 309400.
Cutis laxa, X-linked (OHS). Also called: EDS IX; Occipital horn syndrome. Identifiers: Orphanet 198, MedGen C0268353, MONDO:0010572, OMIM 304150.
X-linked distal spinal muscular atrophy type 3. Also called: ATP7A-Related Distal Motor Neuropathy; SPINAL MUSCULAR ATROPHY, DISTAL, X-LINKED RECESSIVE; NEURONOPATHY, DISTAL HEREDITARY MOTOR, X-LINKED; NEUROPATHY, DISTAL HEREDITARY MOTOR, X-LINKED. Identifiers: Orphanet 139557, MedGen C1845359, MONDO:0010338, OMIM 300489.

Submission:

Labcorp Genetics (formerly Invitae), Labcorp
Classification: Uncertain significance for X-linked distal spinal muscular atrophy type 3; Cutis laxa, X-linked; Menkes kinky-hair syndrome. Last evaluated: 2023-05-16. Review status: criteria provided, single submitter. Criteria: Invitae Variant Classification Sherloc (09022015). Collection method: clinical testing. Allele origin: germline.
Comment: This variant has not been reported in the literature in individuals affected with ATP7A-related conditions. Advanced modeling of protein sequence and biophysical properties (such as structural, functional, and spatial information, amino acid conservation, physicochemical variation, residue mobility, and thermodynamic stability) performed at Invitae indicates that this missense variant is not expected to disrupt ATP7A protein function. This variant is not present in population databases (gnomAD no frequency). This sequence change replaces aspartic acid, which is acidic and polar, with glycine, which is neutral and non-polar, at codon 1101 of the ATP7A protein (p.Asp1101Gly). In summary, the available evidence is currently insufficient to determine the role of this variant in disease. Therefore, it has been classified as a Variant of Uncertain Significance.

NM_000052.7(ATP7A):c.3302A>G (p.Asp1101Gly)

Gene: ATP7A (ATPase copper transporting alpha; plus strand). Cytogenetic location: Xq21.1.
Variant type: single nucleotide variant.
Coding change: c.3302A>G on transcript NM_000052.7 (MANE Select); coding-DNA position 3302, A replaced by G.
Protein change: p.Asp1101Gly; replaces aspartic acid 1101 with glycine.
Molecular consequence: missense variant. On other transcripts: non-coding transcript variant (1).
Genome position (GRCh38, 1-based): chrX:78,033,612, A>G. VCF-style: chrX-78033612-A-G. GRCh37 (hg19) VCF-style: chrX-77289110-A-G.
Other names: c.3068A>G, p.Asp1023Gly (NM_001282224.2); short protein forms D1101G, D1023G.
Identifiers: ClinVar variation 2947823 (VCV002947823.3), dbSNP rs2522401043, ClinGen allele CA413603855.